The following is an entry in ClinVar:

NM_001112741.2(KCNC1):c.491G>C (p.Arg164Pro)

Gene: KCNC1 (potassium voltage-gated channel subfamily C member 1; plus strand). Cytogenetic location: 11p15.1.
Variant type: single nucleotide variant.
Coding change: c.491G>C on transcript NM_001112741.2 (MANE Select); coding-DNA position 491, G replaced by C.
Protein change: p.Arg164Pro; replaces arginine 164 with proline.
Molecular consequence: missense variant.
Genome position (GRCh38, 1-based): chr11:17,736,493, G>C. VCF-style: chr11-17736493-G-C. GRCh37 (hg19) VCF-style: chr11-17758040-G-C.
Other names: c.491G>C, p.Arg164Pro (NM_004976.4); short protein forms R164P.
Identifiers: ClinVar variation 3361118 (VCV003361118.1).

ClinVar aggregate classification (germline): Uncertain significance (1 of 4 stars; one submission).

Submission:

GeneDx
Classification: Uncertain significance. Last evaluated: 2023-07-14. Review status: criteria provided, single submitter. Criteria: GeneDx Variant Classification Process June 2021. Collection method: clinical testing. Allele origin: germline. Affected: yes.
Comment: Not observed at significant frequency in large population cohorts (gnomAD); In silico analysis supports that this missense variant does not alter protein structure/function; Has not been previously published as pathogenic or benign to our knowledge